The following is an entry in ClinVar:

NM_007103.4(NDUFV1):c.640G>A (p.Glu214Lys)

Gene: NDUFV1 (NADH:ubiquinone oxidoreductase core subunit V1; plus strand). Cytogenetic location: 11q13.2.
Variant type: single nucleotide variant.
Coding change: c.640G>A on transcript NM_007103.4 (MANE Select); coding-DNA position 640, G replaced by A.
Protein change: p.Glu214Lys; replaces glutamic acid 214 with lysine.
Molecular consequence: missense variant.
Genome position (GRCh38, 1-based): chr11:67,610,510, G>A. VCF-style: chr11-67610510-G-A. GRCh37 (hg19) VCF-style: chr11-67377981-G-A.
Other names: c.613G>A, p.Glu205Lys (NM_001166102.2); short protein forms E214K, E205K.
Identifiers: ClinVar variation 14059 (VCV000014059.13), dbSNP rs121913661, ClinGen allele CA123738.
Genomic context (GRCh38, chr11:67,610,510, plus strand): 5'-GACGTGTTTGTGGTGCGCGGGGCTGGGGCCTACATCTGTGGAGAGGAGACAGCGCTCATC[G>A]AGTCCATTGAGGGCAAGCAGGGCAAGCCCCGCCTGAAGCCCCCCTTCCCCGCAGACGTGG-3'
Protein context (NP_009034.2, residues 204-224): YICGEETALI[Glu214Lys]SIEGKQGKPR

ClinVar aggregate classification (germline): Pathogenic. Review status: criteria provided, multiple submitters, no conflicts (2 of 4 stars). 6 submissions from 6 submitters: Pathogenic (5). 1 of the submissions does not count toward it. Last evaluated 2026-03-01.

Conditions:
NDUFV1-related disorder. Also called: NDUFV1-related disorders; NDUFV1-related condition.
Mitochondrial complex I deficiency, nuclear type 4. Also called: Mitochondrial complex 1 deficiency, nuclear type 4. Identifiers: MedGen C4748753, MONDO:0032609, OMIM 618225.
Leigh syndrome (NULS). Also called: Leigh's necrotizing encephalopathy; Leigh's disease; Leigh's syndrome; Subacute necrotizing encephalopathy; Necrotizing encephalopathy infantile subacute of Leigh; Leigh Syndrome (mtDNA deletion). Identifiers: Orphanet 506, MedGen C2931891, MONDO:0009723, OMIM 256000.

Allele frequency attached by ClinVar (database versions not stated): gnomAD 0.00001; TOPMed 0.00001.

Submissions (6):

CeGaT Center for Human Genetics Tuebingen
Classification: Pathogenic. Last evaluated: 2026-03-01. Review status: criteria provided, single submitter. Criteria: CeGaT Center For Human Genetics Tuebingen Variant Classification Criteria Version 2. Collection method: clinical testing. Allele origin: germline. Affected: yes. Observed: 1 variant allele.
Comment: NDUFV1: PM3:Very Strong, PM2, PP3, PS3:Supporting

Labcorp Genetics (formerly Invitae), Labcorp
Classification: Pathogenic. Last evaluated: 2023-09-08. Review status: criteria provided, single submitter. Criteria: Invitae Variant Classification Sherloc (09022015). Collection method: clinical testing. Allele origin: germline.
Comment: Advanced modeling of protein sequence and biophysical properties (such as structural, functional, and spatial information, amino acid conservation, physicochemical variation, residue mobility, and thermodynamic stability) has been performed at Invitae for this missense variant, however the output from this modeling did not meet the statistical confidence thresholds required to predict the impact of this variant on NDUFV1 protein function. For these reasons, this variant has been classified as Pathogenic. Experimental studies have shown that this missense change affects NDUFV1 function (PMID: 26345448). ClinVar contains an entry for this variant (Variation ID: 14059). This missense change has been observed in individual(s) with Leigh syndrome and/or mitochondrial complex I deficiency (PMID: 11349233, 23334465, 27344648, 33258288, 34807224). In at least one individual the data is consistent with being in trans (on the opposite chromosome) from a pathogenic variant. It has also been observed to segregate with disease in related individuals. This variant is present in population databases (rs121913661, gnomAD 0.007%). This sequence change replaces glutamic acid, which is acidic and polar, with lysine, which is basic and polar, at codon 214 of the NDUFV1 protein (p.Glu214Lys).

Women's Health and Genetics/Laboratory Corporation of America, LabCorp
Classification: Pathogenic for Leigh syndrome. Last evaluated: 2023-05-26. Review status: criteria provided, single submitter. Criteria: LabCorp Variant Classification Summary - May 2015. Collection method: clinical testing. Allele origin: germline.
Comment: Variant summary: NDUFV1 c.640G>A (p.Glu214Lys) results in a conservative amino acid change located in the FMN-binding domain (IPR011538) of the encoded protein sequence. Four of five in-silico tools predict a damaging effect of the variant on protein function. The variant was absent in 251482 control chromosomes (gnomAD). c.640G>A has been reported in the literature in multiple homozygous- and compound heterozygous individuals affected with complex I deficiency related phenotypes, including Leigh Syndrome (e.g. Benit_2001, Lal_2013, Quaio_2020). These data indicate that the variant is very likely to be associated with disease. At least one publication reported experimental evidence evaluating an impact on protein function, and demonstrated decreased complex I activity, together with increased reactive oxygen species production in a yeast model system (Varghese_2015). The following publications have been ascertained in the context of this evaluation (PMID: 11349233, 23334465, 33258288, 26345448). One clinical diagnostic laboratory has submitted clinical-significance assessments for this variant to ClinVar after 2014, and classified the variant as pathogenic. Based on the evidence outlined above, the variant was classified as pathogenic.

GeneDx
Classification: Pathogenic. Last evaluated: 2022-06-15. Review status: criteria provided, single submitter. Criteria: GeneDx Variant Classification Process June 2021. Collection method: clinical testing. Allele origin: germline. Affected: yes.
Comment: Functional studies suggest the E214K variant has impaired complex I activity when expressed in Y. lipolytica (Varghese et al., 2015); In silico analysis, which includes protein predictors and evolutionary conservation, supports a deleterious effect; Not observed at a significant frequency in large population cohorts (gnomAD); This variant is associated with the following publications: (PMID: 11494300, 22142868, 26345448, 16120313, 23334465, 27344648, 11349233, 32871395, 34807224, 33258288, 33807701)

Blueprint Genetics
Classification: Pathogenic for NDUFV1-related disorders. Last evaluated: 2019-10-09. Review status: criteria provided, single submitter. Criteria: ACMG Guidelines, 2015. Collection method: clinical testing. Allele origin: germline. Affected: yes. Observed: 3 variant alleles.

OMIM
Classification: Pathogenic for MITOCHONDRIAL COMPLEX I DEFICIENCY, NUCLEAR TYPE 4. Last evaluated: 2001-06-01. Review status: no assertion criteria provided. Collection method: literature only. Allele origin: germline. Not counted in ClinVar's aggregate classification.

Literature cited by the submitters: PubMed 26345448 (cited by 3 submitters); PubMed 11349233 (cited by 3 submitters); PubMed 23334465 (cited by Labcorp Genetics (formerly Invitae), Labcorp and Women's Health and Genetics/Laboratory Corporation of America, LabCorp); PubMed 27344648 (cited by Labcorp Genetics (formerly Invitae), Labcorp); PubMed 33258288 (cited by Labcorp Genetics (formerly Invitae), Labcorp and Women's Health and Genetics/Laboratory Corporation of America, LabCorp); PubMed 34807224 (cited by Labcorp Genetics (formerly Invitae), Labcorp).